The following is an entry in ClinVar:

NM_001164508.2(NEB):c.13509del (p.Gly4504fs)

Gene: NEB (nebulin; minus strand). Cytogenetic location: 2q23.3.
Variant type: Deletion.
Coding change: c.13509del on transcript NM_001164508.2 (MANE Select); coding-DNA position 13509, one base deleted (A; older notation c.13509delA).
Protein change: p.Gly4504fs; shifts the reading frame from glycine 4504.
Molecular consequence: frameshift variant. On other transcripts: intron variant (1).
Genome position (GRCh38, 1-based): chr2:151,600,721, T deleted on the plus strand (A on the coding strand, the reverse complement: NEB is on the minus strand); the first of 3 consecutive T bases (chr2:151,600,721-151,600,723); deleting any one gives the same sequence. VCF-style (leftmost placement, unchanged base first): chr2-151600720-CT-C. GRCh37 (hg19) VCF-style: chr2-152457234-CT-C.
Other names: c.13509del, p.Gly4504fs (NM_001164507.2, NM_001271208.2); c.11601+9088del (NM_004543.5); short protein forms G4504fs.
Identifiers: ClinVar variation 1453467 (VCV001453467.6), dbSNP rs2153903564, ClinGen allele CA2573133383.

ClinVar aggregate classification (germline): Pathogenic (1 of 4 stars; one submission).

Conditions:
Nemaline myopathy 2 (NEM2). Also called: Nemaline myopathy 2, autosomal recessive. Identifiers: MedGen C1850569, MONDO:0009725, OMIM 256030.

Submission:

Labcorp Genetics (formerly Invitae), Labcorp
Classification: Pathogenic for Nemaline myopathy 2. Last evaluated: 2021-07-26. Review status: criteria provided, single submitter. Criteria: Invitae Variant Classification Sherloc (09022015). Collection method: clinical testing. Allele origin: germline.
Comment: For these reasons, this variant has been classified as Pathogenic. This variant has not been reported in the literature in individuals affected with NEB-related conditions. The frequency data for this variant in the population databases (ExAC) is considered unreliable due to the presence of homologous sequence, such as pseudogenes or paralogs, in the genome. This sequence change creates a premature translational stop signal (p.Gly4504Alafs*22) in the NEB gene. It is expected to result in an absent or disrupted protein product. Loss-of-function variants in NEB are known to be pathogenic (PMID: 25205138). This variant occurs in a region of NEB (Exons 82-105) consisting of three highly homologous 8-exon repeat units (exons 82-89, exons 90-97, exons 98-105). Sequence variants in this region can be detected, but this assay cannot determine which of the three repeat units is affected, and zygosity is often ambiguous. All variants in this region are reported relative to the exon 82-89 repeat.

Literature cited by the submitters: PubMed 25205138.